The following is an entry in ClinVar:

NM_002351.5(SH2D1A):c.138-19G>A

Gene: SH2D1A (SH2 domain containing 1A; plus strand). Cytogenetic location: Xq25.
Variant type: single nucleotide variant.
Coding change: c.138-19G>A on transcript NM_002351.5 (MANE Select); 19 bases into the intron before coding-DNA position 138, G replaced by A.
Molecular consequence: intron variant.
Genome position (GRCh38, 1-based): chrX:124,365,742, G>A. VCF-style: chrX-124365742-G-A. GRCh37 (hg19) VCF-style: chrX-123499592-G-A.
Other names: c.138-19G>A (NM_001114937.3, NM_002351.4).
Identifiers: ClinVar variation 1634609 (VCV001634609.11), dbSNP rs370365609, ClinGen allele CA10509265.

ClinVar aggregate classification (germline): Benign/Likely benign. Review status: criteria provided, multiple submitters, no conflicts (2 of 4 stars). 3 submissions from 3 submitters: Benign (1); Likely benign (1). 1 of the submissions does not count toward it. Last evaluated 2025-08-11.

Conditions:
X-linked lymphoproliferative disease due to SH2D1A deficiency (XLP1). Also called: EBV infection severe susceptibility to; Epstein Barr virus infection familial fatal; Duncan's syndrome; DUNCAN DISEASE; IMMUNODEFICIENCY 5; IMMUNODEFICIENCY, X-LINKED PROGRESSIVE COMBINED VARIABLE. Identifiers: Orphanet 2442, Orphanet 538931, MedGen C5399825, MONDO:0024551, OMIM 308240.
SH2D1A-related disorder. Also called: SH2D1A-related condition.

Allele frequency attached by ClinVar (database versions not stated): gnomAD exomes 0.00004 and 0.00028; TOPMed 0.00005; gnomAD 0.00009 and 0.00012; ExAC 0.00021; 1000 Genomes Project 30x 0.00125; 1000 Genomes Project 0.00132.

Submissions (3):

Labcorp Genetics (formerly Invitae), Labcorp
Classification: Benign for X-linked lymphoproliferative disease due to SH2D1A deficiency. Last evaluated: 2025-08-11. Review status: criteria provided, single submitter. Criteria: Invitae Variant Classification Sherloc (09022015). Collection method: clinical testing. Allele origin: germline.

Blueprint Genetics
Classification: Likely benign. Last evaluated: 2023-04-14. Review status: criteria provided, single submitter. Criteria: ACMG Guidelines, 2015. Collection method: clinical testing. Allele origin: germline.

PreventionGenetics, part of Exact Sciences
Classification: Likely benign for SH2D1A-related condition. Last evaluated: 2019-10-02. Review status: no assertion criteria provided. Collection method: clinical testing. Allele origin: germline. Not counted in ClinVar's aggregate classification.
Comment: This variant is classified as likely benign based on ACMG/AMP sequence variant interpretation guidelines (Richards et al. 2015 PMID: 25741868, with internal and published modifications).